The following is an entry in ClinVar:

ClinVar aggregate classification (germline): Uncertain significance. Review status: criteria provided, multiple submitters, no conflicts (2 of 4 stars). 2 submissions from 2 submitters: Uncertain significance (2). Last evaluated 2024-02-12.

Conditions:
Dehydrated hereditary stomatocytosis with or without pseudohyperkalemia and/or perinatal edema (DHS1). Also called: PSEUDOHYPERKALEMIA EDINBURGH; DEHYDRATED HEREDITARY STOMATOCYTOSIS AND PSEUDOHYPERKALEMIA; DEHYDRATED HEREDITARY STOMATOCYTOSIS WITH PSEUDOHYPERKALEMIA AND PERINATAL EDEMA; Pseudohyperkalemia, familial, 1, due to red cell leak; Dehydrated hereditary stomatocytosis 1 with or without pseudohyperkalemia and/or perinatal edema. Identifiers: Orphanet 3202, MedGen C4551512, MONDO:0008689, OMIM 194380.
Lymphatic malformation 6 (LMPHM6). Also called: GENERALIZED LYMPHATIC DYSPLASIA OF FOTIOU; Lymphedema, hereditary, III; PIEZO1-related generalized lymphatic dysplasia with non-immune hydrops fetalis. Identifiers: Orphanet 568062, MedGen C4225184, MONDO:0014797, OMIM 616843.

Allele frequency attached by ClinVar (database versions not stated): gnomAD 0.00001; TOPMed below 0.00001.
gnomAD v4.1: 20 of 1,549,076 alleles (0.0013%); highest among the groups gnomAD compares: Non-Finnish European, 0.0017%; no homozygotes.

Submissions (2):

Department of Pediatrics, Duzce University
Classification: Uncertain significance for Dehydrated hereditary stomatocytosis with or without pseudohyperkalemia and/or perinatal edema. Last evaluated: 2024-02-12. Review status: criteria provided, single submitter. Criteria: ACMG Guidelines, 2015. Collection method: research. Allele origin: germline. Inheritance: Autosomal dominant inheritance. Affected: yes.
Comment: Missense variant p.(His1536Arg) of uncertain significance in PIEZO1. Rare in population databases (PM2_supporting); in silico predictions insufficient or conflicting; the gain-of-function mechanism typical of PIEZO1-related dehydrated hereditary stomatocytosis was not established for this variant. Applied ACMG/AMP criteria: PM2_supporting. Classification: Uncertain significance.

Clinical Genomics Laboratory, Washington University in St. Louis
Classification: Uncertain significance for Lymphatic malformation 6. Last evaluated: 2023-09-01. Review status: criteria provided, single submitter. Criteria: ACMG Guidelines, 2015. Collection method: clinical testing. Allele origin: germline.
Comment: The PIEZO1 c.4607A>G (p.His1536Arg) variant was identified at a near heterozygous allelic fraction. This variant, to our knowledge, has not been reported in the medical literature. This variant is only observed on 1/152150 alleles in the general population (gnomAD v3.1.2), indicating it is not a common variant. Computational predictors are conflicting as to the impact of this variant on PIEZO1 function. Due to limited information and based on ACMG/AMP guidelines for variant interpretation (Richards S et al., PMID: 25741868), the clinical significance of this variant is uncertain at this time.

NM_001142864.4(PIEZO1):c.4607A>G (p.His1536Arg)

Gene: PIEZO1 (piezo type mechanosensitive ion channel component 1 (Er blood group); minus strand). Cytogenetic location: 16q24.3.
Variant type: single nucleotide variant.
Coding change: c.4607A>G on transcript NM_001142864.4 (MANE Select); coding-DNA position 4607, A replaced by G.
Protein change: p.His1536Arg; replaces histidine 1536 with arginine.
Molecular consequence: missense variant.
Genome position (GRCh38, 1-based): chr16:88,722,898, T>C on the plus strand (A>G on the coding strand, the complement: PIEZO1 is on the minus strand). VCF-style: chr16-88722898-T-C. GRCh37 (hg19) VCF-style: chr16-88789306-T-C.
Other names: p.(His1536Arg); c.3149A>G, p.His1050Arg (NM_014745.1); short protein forms H1050R, H1536R.
Identifiers: ClinVar variation 2672112 (VCV002672112.2), dbSNP rs1243746484, ClinGen allele CA397096159.
Genomic context (GRCh38, chr16:88,722,898, plus strand): 5'-TGCAGGAGCTCCTGTGTGAGGAGGTAGCGCTCTGCCCGCAGCACGTCGCTCATGGTGCCG[T>C]GGTGCCGGGTGAACTCCTGCAGCCAGCGTGTCAGCTCATCCACTAGCGCCTGCCCCAGCA-3'
Protein context (NP_001136336.2, residues 1526-1546): TRWLQEFTRH[His1536Arg]GTMSDVLRAE